The following is an entry in ClinVar:

ClinVar aggregate classification (germline): Uncertain significance (0 of 4 stars; one submission).

Conditions:
SEMA3G-related disorder. Also called: SEMA3G-related condition.

gnomAD v4.1: 13 of 1,613,252 alleles (0.00081%); highest among the groups gnomAD compares: Non-Finnish European, 0.0011%; no homozygotes.

Submission:

PreventionGenetics, part of Exact Sciences
Classification: Uncertain significance for SEMA3G-related condition. Last evaluated: 2023-12-21. Review status: no assertion criteria provided. Collection method: clinical testing. Allele origin: germline.
Comment: The SEMA3G c.199C>G variant is predicted to result in the amino acid substitution p.Arg67Gly. To our knowledge, this variant has not been reported in the literature or in a large population database, indicating this variant is rare. At this time, the clinical significance of this variant is uncertain due to the absence of conclusive functional and genetic evidence.

NM_020163.3(SEMA3G):c.199C>G (p.Arg67Gly)

Gene: SEMA3G (semaphorin 3G; minus strand). Cytogenetic location: 3p21.1.
Variant type: single nucleotide variant.
Coding change: c.199C>G on transcript NM_020163.3 (MANE Select); coding-DNA position 199, C replaced by G.
Protein change: p.Arg67Gly; replaces arginine 67 with glycine.
Molecular consequence: missense variant.
Genome position (GRCh38, 1-based): chr3:52,442,824, G>C on the plus strand (C>G on the coding strand, the complement: SEMA3G is on the minus strand). VCF-style: chr3-52442824-G-C. GRCh37 (hg19) VCF-style: chr3-52476840-G-C.
Other names: short protein forms R67G.
Identifiers: ClinVar variation 3349089 (VCV003349089.1).
Genomic context (GRCh38, chr3:52,442,824, plus strand): 5'-ATGCCTGGTCCAGCCGCAGAGAGTAGAGGGCGTCCAGGCCACCCAGAAAGAGGCGGTCTC[G>C]GTACTCATCTAGGTACATGGCCTGGAGGTTCAGGGAGCCCTGGGGGCCCAGAAAGATGGC-3'
Protein context (NP_064548.1, residues 57-77): NLQAMYLDEY[Arg67Gly]DRLFLGGLDA